The following is an entry in ClinVar:

NM_000059.4(BRCA2):c.5777G>T (p.Ser1926Ile)

Gene: BRCA2 (BRCA2 DNA repair associated; plus strand). Cytogenetic location: 13q13.1.
Variant type: single nucleotide variant.
Coding change: c.5777G>T on transcript NM_000059.4 (MANE Select); coding-DNA position 5777, G replaced by T.
Protein change: p.Ser1926Ile; replaces serine 1926 with isoleucine.
Molecular consequence: missense variant.
Genome position (GRCh38, 1-based): chr13:32,340,132, G>T. VCF-style: chr13-32340132-G-T. GRCh37 (hg19) VCF-style: chr13-32914269-G-T.
Other names: short protein forms S1926I.
Identifiers: ClinVar variation 1384684 (VCV001384684.7), dbSNP rs869320795, ClinGen allele CA387787129.

ClinVar aggregate classification (germline): Conflicting classifications of pathogenicity. Review status: criteria provided, conflicting classifications (1 of 4 stars). 2 submissions from 2 submitters: Uncertain significance (1); Likely benign (1). Last evaluated 2023-03-23.

Conditions:
Hereditary cancer-predisposing syndrome. Also called: Tumor predisposition; Neoplastic Syndromes, Hereditary; Hereditary Cancer Syndrome; Hereditary neoplastic syndrome. Identifiers: Orphanet 140162, MedGen C0027672, MeSH D009386, MONDO:0015356.
Hereditary breast ovarian cancer syndrome. Also called: Hereditary breast and ovarian cancer syndrome (HBOC); Breast and ovarian cancer; BRCA1- and BRCA2-Associated Hereditary Breast and Ovarian Cancer; Hereditary breast and ovarian cancer; Hereditary breast and ovarian cancer syndrome; Hereditary breast and/or ovarian cancer syndrome. Identifiers: Orphanet 145, MedGen C0677776, MeSH D061325, MONDO:0003582. Disease mechanism: loss of function.

Submissions (2):

University of Washington Department of Laboratory Medicine, University of Washington
Classification: Likely benign for Hereditary cancer-predisposing syndrome. Last evaluated: 2023-03-23. Review status: criteria provided, single submitter. Criteria: Dines et al. (Genet Med. 2020). Collection method: curation. Allele origin: germline.
Comment: Missense variant in a coldspot region where missense variants are very unlikely to be pathogenic (PMID:31911673).

BRCA2 exon 11 coldspot. Reclassification based on statistical prior probability.

Labcorp Genetics (formerly Invitae), Labcorp
Classification: Uncertain significance for Hereditary breast ovarian cancer syndrome. Last evaluated: 2021-10-05. Review status: criteria provided, single submitter. Criteria: Invitae Variant Classification Sherloc (09022015). Collection method: clinical testing. Allele origin: germline.
Comment: This sequence change replaces serine with isoleucine at codon 1926 of the BRCA2 protein (p.Ser1926Ile). The serine residue is moderately conserved and there is a large physicochemical difference between serine and isoleucine. This variant is not present in population databases (ExAC no frequency). This variant has not been reported in the literature in individuals affected with BRCA2-related conditions. Advanced modeling of protein sequence and biophysical properties (such as structural, functional, and spatial information, amino acid conservation, physicochemical variation, residue mobility, and thermodynamic stability) performed at Invitae indicates that this missense variant is not expected to disrupt BRCA2 protein function. In summary, the available evidence is currently insufficient to determine the role of this variant in disease. Therefore, it has been classified as a Variant of Uncertain Significance.